The following is an entry in ClinVar:

ClinVar aggregate classification (germline): Conflicting classifications of pathogenicity. Review status: criteria provided, conflicting classifications (1 of 4 stars). 2 submissions from 2 submitters: Likely pathogenic (1); Uncertain significance (1). Last evaluated 2024-10-23.

Conditions:
Growth delay due to insulin-like growth factor I resistance. Also called: IGF-I RESISTANCE; Insulin-Like Growth Factor I Resistance; Somatomedin end-organ insensitivity to; Somatomedin-c resistance to; IGF-1 resistance. Identifiers: Orphanet 73273, MedGen C1849157, MONDO:0010038, OMIM 270450.

Allele frequency attached by ClinVar (database versions not stated): gnomAD exomes below 0.00001.
gnomAD v4.1: 1 of 1,614,198 alleles (0.000062%); highest among the groups gnomAD compares: Non-Finnish European, 0.000085%; no homozygotes.

Submissions (2):

GeneDx
Classification: Uncertain significance. Last evaluated: 2024-10-23. Review status: criteria provided, single submitter. Criteria: GeneDx Variant Classification Process June 2021. Collection method: clinical testing. Allele origin: germline. Affected: yes.
Comment: Has been reported in association with growth delay; however, no specific clinical features or detailed segregation information was provided in this report (PMID: 30848790); Not observed at significant frequency in large population cohorts (gnomAD); In silico analysis supports that this missense variant has a deleterious effect on protein structure/function; This variant is associated with the following publications: (PMID: 30848790)

Center for Human Genetics and Genomic Medicine, Uniklinik Rwth Aachen
Classification: Likely pathogenic for Growth delay due to insulin-like growth factor I resistance. Last evaluated: 2024-04-10. Review status: criteria provided, single submitter. Criteria: ACMG Guidelines, 2015. Collection method: clinical testing. Allele origin: paternal. Inheritance: Autosomal dominant inheritance. Affected: yes.
Comment: The detected variant has been reported to databases (dbSNP rs2151719218).The variant is not present in population databases (gnomAD (v2.1.1)). Bioinformatics tools (SIFT(v6.2.0), MutationTaster (v2021), PolyPhen-2, REVEL) predict a damaging effect of the variant. Based on ACMG criteria the variant is considered to be likely pathogenic. (PM2, PM5, PP3).

NM_000875.5(IGF1R):c.3578C>T (p.Ser1193Leu)

Gene: IGF1R (insulin like growth factor 1 receptor; plus strand). Cytogenetic location: 15q26.3.
Variant type: single nucleotide variant.
Coding change: c.3578C>T on transcript NM_000875.5 (MANE Select); coding-DNA position 3578, C replaced by T.
Protein change: p.Ser1193Leu; replaces serine 1193 with leucine.
Molecular consequence: missense variant.
Genome position (GRCh38, 1-based): chr15:98,943,043, C>T. VCF-style: chr15-98943043-C-T. GRCh37 (hg19) VCF-style: chr15-99486272-C-T.
Other names: c.3575C>T, p.Ser1192Leu (NM_001291858.2); c.3578C>T (NM_000875.3); short protein forms S1192L, S1193L.
Identifiers: ClinVar variation 3068521 (VCV003068521.3), dbSNP rs2151719218, ClinGen allele CA393661755.